The following is an entry in ClinVar:

ClinVar aggregate classification (germline): Benign (1 of 4 stars; one submission).

Allele frequency attached by ClinVar (database versions not stated): 1000 Genomes Project 0.00499; 1000 Genomes Project 30x 0.00531; TOPMed 0.00714; ExAC 0.00830; gnomAD 0.00911; ESP Exome Variant Server 0.01007; gnomAD exomes 0.01270.
gnomAD v4.1: 19,762 of 1,613,260 alleles (1.2%); highest among the groups gnomAD compares: Non-Finnish European, 1.4%; 162 homozygotes.

Submission:

CeGaT Center for Human Genetics Tuebingen
Classification: Benign. Last evaluated: 2024-12-01. Review status: criteria provided, single submitter. Criteria: CeGaT Center For Human Genetics Tuebingen Variant Classification Criteria Version 2. Collection method: clinical testing. Allele origin: germline. Affected: yes. Observed: 2 variant alleles.
Comment: BCL9: BP4, BS1, BS2

NM_004326.4(BCL9):c.995C>T (p.Pro332Leu)

Gene: BCL9 (BCL9 transcription coactivator; plus strand). Cytogenetic location: 1q21.2.
Variant type: single nucleotide variant.
Coding change: c.995C>T on transcript NM_004326.4 (MANE Select); coding-DNA position 995, C replaced by T.
Protein change: p.Pro332Leu; replaces proline 332 with leucine.
Molecular consequence: missense variant.
Genome position (GRCh38, 1-based): chr1:147,619,150, C>T. VCF-style: chr1-147619150-C-T. GRCh37 (hg19) VCF-style: chr1-147090956-C-T.
Other names: short protein forms P332L.
Identifiers: ClinVar variation 3024758 (VCV003024758.22), dbSNP rs61751616, ClinGen allele CA1064475.
Genomic context (GRCh38, chr1:147,619,150, plus strand): 5'-GGGCAGTGACCCCTGTCTCCCAGGGGAGCAATAGCTCTTCAGCAGATCCCAAAGCCCCTC[C>T]GCCTCCACCAGTGTCCAGTGGCGAGCCCCCCACACTGGGAGAGAATCCCGATGGCCTATC-3'
Protein context (NP_004317.2, residues 322-342): NSSSADPKAP[Pro332Leu]PPPVSSGEPP